The following is an entry in ClinVar:

ClinVar aggregate classification (germline): Likely pathogenic. Review status: criteria provided, multiple submitters, no conflicts (2 of 4 stars). 2 submissions from 2 submitters: Likely pathogenic (2). Last evaluated 2023-06-12.

Conditions:
Peroxisome biogenesis disorder 9B. Also called: Refsum disease, adult, 2; PEX7-Related Refsum Disease; PEROXISOME BIOGENESIS DISORDER, PEX7-RELATED, ATYPICAL. Identifiers: Orphanet 773, MedGen C2749346, MONDO:0013945, OMIM 614879.

Submissions (2):

Baylor Genetics
Classification: Likely pathogenic for Peroxisome biogenesis disorder 9B. Last evaluated: 2023-06-12. Review status: criteria provided, single submitter. Criteria: ACMG Guidelines, 2015. Collection method: clinical testing. Allele origin: unknown.

Labcorp Genetics (formerly Invitae), Labcorp
Classification: Likely pathogenic for Peroxisome biogenesis disorder 9B. Last evaluated: 2019-01-29. Review status: criteria provided, single submitter. Criteria: Invitae Variant Classification Sherloc (09022015). Collection method: clinical testing. Allele origin: germline.
Comment: This variant is a deletion of the genomic region encompassing exon 5 and part of exon 4 (c.363_526+230del) of the PEX7 gene. It is expected to disrupt RNA splicing and likely results in an absent or disrupted protein product. This variant has not been reported in the literature in individuals with PEX7-related disease. Loss-of-function variants in PEX7 are known to be pathogenic (PMID: 12325024, 20301447). In summary, the currently available evidence indicates that the variant is pathogenic, but additional data are needed to prove that conclusively. Therefore, this variant has been classified as Likely Pathogenic.

NM_000288.4(PEX7):c.363_526+230del

Gene: PEX7 (peroxisomal biogenesis factor 7; plus strand). Cytogenetic location: 6q23.3.
Variant type: Deletion.
Coding change: c.363_526+230del on transcript NM_000288.4 (MANE Select); coding-DNA position 363 through 230 bases into the intron after coding-DNA position 526, 774 bases deleted.
Molecular consequence: splice acceptor variant, splice donor variant.
Genome position (GRCh38, 1-based): chr6:136,845,638-136,846,411, 774 bases deleted. GRCh37 (hg19): chr6:137,166,776-137,167,549.
Identifiers: ClinVar variation 659636 (VCV000659636.3), dbSNP rs1582744649, ClinGen allele CA915944388.